The following is an entry in ClinVar:

ClinVar aggregate classification (germline): Uncertain significance. Review status: criteria provided, multiple submitters, no conflicts (2 of 4 stars). 2 submissions from 2 submitters: Uncertain significance (2). Last evaluated 2023-07-12.

Conditions:
Microcephaly, normal intelligence and immunodeficiency (NBS). Also called: Nijmegen breakage syndrome; Microcephaly with normal intelligence immunodeficiency and lymphoreticular malignancies; Nonsyndromal microcephaly autosomal recessive with normal intelligence; Seemanova syndrome 2; Ataxia telangiectasia variant V1; BERLIN BREAKAGE SYNDROME. Identifiers: Orphanet 647, MedGen C0398791, MONDO:0009623, OMIM 251260.
Hereditary cancer-predisposing syndrome. Also called: Neoplastic Syndromes, Hereditary; Hereditary Cancer Syndrome; Hereditary neoplastic syndrome; Tumor predisposition. Identifiers: Orphanet 140162, MedGen C0027672, MeSH D009386, MONDO:0015356.

Submissions (2):

Labcorp Genetics (formerly Invitae), Labcorp
Classification: Uncertain significance for Microcephaly, normal intelligence and immunodeficiency. Last evaluated: 2023-07-12. Review status: criteria provided, single submitter. Criteria: Invitae Variant Classification Sherloc (09022015). Collection method: clinical testing. Allele origin: germline.
Comment: This sequence change replaces proline, which is neutral and non-polar, with leucine, which is neutral and non-polar, at codon 15 of the NBN protein (p.Pro15Leu). This variant is not present in population databases (gnomAD no frequency). In summary, the available evidence is currently insufficient to determine the role of this variant in disease. Therefore, it has been classified as a Variant of Uncertain Significance. An algorithm developed to predict the effect of missense changes on protein structure and function (PolyPhen-2) suggests that this variant is likely to be tolerated. ClinVar contains an entry for this variant (Variation ID: 824947). This variant has not been reported in the literature in individuals affected with NBN-related conditions.

Ambry Genetics
Classification: Uncertain significance for Hereditary cancer-predisposing syndrome. Last evaluated: 2021-07-20. Review status: criteria provided, single submitter. Criteria: Ambry Variant Classification Scheme 2023. Collection method: clinical testing. Allele origin: germline.
Comment: The p.P15L variant (also known as c.44C>T), located in coding exon 2 of the NBN gene, results from a C to T substitution at nucleotide position 44. The proline at codon 15 is replaced by leucine, an amino acid with similar properties. This amino acid position is well conserved in available vertebrate species. In addition, this alteration is predicted to be tolerated by in silico analysis. Since supporting evidence is limited at this time, the clinical significance of this alteration remains unclear.

NM_002485.5(NBN):c.44C>T (p.Pro15Leu)

Gene: NBN (nibrin; minus strand). Cytogenetic location: 8q21.3.
Variant type: single nucleotide variant.
Coding change: c.44C>T on transcript NM_002485.5 (MANE Select); coding-DNA position 44, C replaced by T.
Protein change: p.Pro15Leu; replaces proline 15 with leucine.
Molecular consequence: missense variant. On other transcripts: 5 prime UTR variant (1).
Genome position (GRCh38, 1-based): chr8:89,982,849, G>A on the plus strand (C>T on the coding strand, the complement: NBN is on the minus strand). VCF-style: chr8-89982849-G-A. GRCh37 (hg19) VCF-style: chr8-90995077-G-A.
Other names: c.-253C>T (NM_001024688.3); short protein forms P15L.
Identifiers: ClinVar variation 824947 (VCV000824947.7), dbSNP rs1586112154, ClinGen allele CA371663709.